The following is an entry in ClinVar:

NM_015909.4(NBAS):c.3938C>A (p.Pro1313His)

Gene: NBAS (NBAS subunit of NRZ tethering complex; minus strand). Cytogenetic location: 2p24.3.
Variant type: single nucleotide variant.
Coding change: c.3938C>A on transcript NM_015909.4 (MANE Select); coding-DNA position 3938, C replaced by A.
Protein change: p.Pro1313His; replaces proline 1313 with histidine.
Molecular consequence: missense variant. On other transcripts: non-coding transcript variant (1).
Genome position (GRCh38, 1-based): chr2:15,353,704, G>T on the plus strand (C>A on the coding strand, the complement: NBAS is on the minus strand). VCF-style: chr2-15353704-G-T. GRCh37 (hg19) VCF-style: chr2-15493828-G-T.
Other names: short protein forms P1313H.
Identifiers: ClinVar variation 2088511 (VCV002088511.3), dbSNP rs770372450, ClinGen allele CA42623788.

ClinVar aggregate classification (germline): Uncertain significance (1 of 4 stars; one submission).

gnomAD v4.1: 1 of 1,613,858 alleles (0.000062%); highest among the groups gnomAD compares: Middle Eastern, 0.016%; no homozygotes.

Submission:

Labcorp Genetics (formerly Invitae), Labcorp
Classification: Uncertain significance. Last evaluated: 2024-08-30. Review status: criteria provided, single submitter. Criteria: Invitae Variant Classification Sherloc (09022015). Collection method: clinical testing. Allele origin: germline.
Comment: This sequence change replaces proline, which is neutral and non-polar, with histidine, which is basic and polar, at codon 1313 of the NBAS protein (p.Pro1313His). This variant is not present in population databases (gnomAD no frequency). This variant has not been reported in the literature in individuals affected with NBAS-related conditions. ClinVar contains an entry for this variant (Variation ID: 2088511). Invitae Evidence Modeling of protein sequence and biophysical properties (such as structural, functional, and spatial information, amino acid conservation, physicochemical variation, residue mobility, and thermodynamic stability) indicates that this missense variant is not expected to disrupt NBAS protein function with a negative predictive value of 80%. In summary, the available evidence is currently insufficient to determine the role of this variant in disease. Therefore, it has been classified as a Variant of Uncertain Significance.